The following is an entry in ClinVar:

ClinVar aggregate classification (germline): Uncertain significance (1 of 4 stars; one submission).

Conditions:
Congenital disorder of glycosylation type Ir (CDG1R). Also called: DDOST-congenital disorder of glycosylation. Identifiers: Orphanet 300536, MedGen C3281084, MONDO:0013789, OMIM 614507.

Submission:

Labcorp Genetics (formerly Invitae), Labcorp
Classification: Uncertain significance for Congenital disorder of glycosylation type Ir. Last evaluated: 2025-01-06. Review status: criteria provided, single submitter. Criteria: Invitae Variant Classification Sherloc (09022015). Collection method: clinical testing. Allele origin: germline.
Comment: This sequence change replaces aspartic acid, which is acidic and polar, with valine, which is neutral and non-polar, at codon 52 of the DDOST protein (p.Asp52Val). This variant is not present in population databases (gnomAD no frequency). This variant has not been reported in the literature in individuals affected with DDOST-related conditions. Invitae Evidence Modeling of protein sequence and biophysical properties (such as structural, functional, and spatial information, amino acid conservation, physicochemical variation, residue mobility, and thermodynamic stability) indicates that this missense variant is expected to disrupt DDOST protein function with a positive predictive value of 80%. In summary, the available evidence is currently insufficient to determine the role of this variant in disease. Therefore, it has been classified as a Variant of Uncertain Significance.

NM_005216.5(DDOST):c.104A>T (p.Asp35Val)

Gene: DDOST (dolichyl-diphosphooligosaccharide--protein glycosyltransferase non-catalytic subunit; minus strand). Cytogenetic location: 1p36.12.
Variant type: single nucleotide variant.
Coding change: c.104A>T on transcript NM_005216.5 (MANE Select); coding-DNA position 104, A replaced by T.
Protein change: p.Asp35Val; replaces aspartic acid 35 with valine.
Molecular consequence: missense variant.
Genome position (GRCh38, 1-based): chr1:20,661,247, T>A on the plus strand (A>T on the coding strand, the complement: DDOST is on the minus strand). VCF-style: chr1-20661247-T-A. GRCh37 (hg19) VCF-style: chr1-20987740-T-A.
Other names: short protein forms D35V.
Identifiers: ClinVar variation 3687632 (VCV003687632.2).